The following is an entry in ClinVar:

NM_139319.3(SLC17A8):c.1187-3C>T

Gene: SLC17A8 (solute carrier family 17 member 8; plus strand). Cytogenetic location: 12q23.1.
Variant type: single nucleotide variant.
Coding change: c.1187-3C>T on transcript NM_139319.3 (MANE Select); 3 bases into the intron before coding-DNA position 1187, C replaced by T.
Molecular consequence: intron variant.
Genome position (GRCh38, 1-based): chr12:100,412,767, C>T. VCF-style: chr12-100412767-C-T. GRCh37 (hg19) VCF-style: chr12-100806545-C-T.
Other names: c.1037-3C>T (NM_001145288.2).
Identifiers: ClinVar variation 1802121 (VCV001802121.1), dbSNP rs1344432589, ClinGen allele CA606827960.
Genomic context (GRCh38, chr12:100,412,767, plus strand): 5'-AAATGAACTTGGGTTGACCGATATGAAAATGACATTTTTTTCCCTTGCTGTTTCCATTTG[C>T]AGGTTTTGGCATGGAGGCAACCTTACTCCTGGTGGTTGGCTTTTCGCATACCAAAGGGGT-3'

ClinVar aggregate classification (germline): Uncertain significance (1 of 4 stars; one submission).

Allele frequency attached by ClinVar (database versions not stated): gnomAD exomes below 0.00001; TOPMed below 0.00001.
gnomAD v4.1: 5 of 1,606,918 alleles (0.00031%); highest among the groups gnomAD compares: Admixed American, 0.0033%; no homozygotes.

Submission:

GeneDx
Classification: Uncertain significance. Last evaluated: 2022-05-31. Review status: criteria provided, single submitter. Criteria: GeneDx Variant Classification Process June 2021. Collection method: clinical testing. Allele origin: germline. Affected: yes.
Comment: In silico analysis supports that this variant does not alter splicing; Has not been previously published as pathogenic or benign to our knowledge